The following is an entry in ClinVar:

ClinVar aggregate classification (germline): Uncertain significance. Review status: criteria provided, multiple submitters, no conflicts (2 of 4 stars). 3 submissions from 3 submitters: Uncertain significance (3). Last evaluated 2025-09-22.

Submissions (3):

Labcorp Genetics (formerly Invitae), Labcorp
Classification: Uncertain significance. Last evaluated: 2025-09-22. Review status: criteria provided, single submitter. Criteria: Invitae Variant Classification Sherloc (09022015). Collection method: clinical testing. Allele origin: germline.
Comment: This variant, c.2822_2827del, results in the deletion of 2 amino acid(s) of the OPA1 protein (p.Lys941_Val942del), but otherwise preserves the integrity of the reading frame. This variant is not present in population databases (gnomAD no frequency). This variant has not been reported in the literature in individuals affected with OPA1-related conditions. ClinVar contains an entry for this variant (Variation ID: 1256266). Experimental studies and prediction algorithms are not available or were not evaluated, and the functional significance of this variant is currently unknown. In summary, the available evidence is currently insufficient to determine the role of this variant in disease. Therefore, it has been classified as a Variant of Uncertain Significance.

Athena Diagnostics
Classification: Uncertain significance. Last evaluated: 2021-04-16. Review status: criteria provided, single submitter. Criteria: Athena Diagnostics criteria. Collection method: clinical testing. Allele origin: unknown.

Blueprint Genetics
Classification: Uncertain significance. Last evaluated: 2019-12-17. Review status: criteria provided, single submitter. Criteria: ACMG Guidelines, 2015. Collection method: clinical testing. Allele origin: germline.

NM_130837.3(OPA1):c.2987_2992del (p.Lys996_Val997del)

Gene: OPA1 (OPA1 mitochondrial dynamin like GTPase; plus strand). Cytogenetic location: 3q29.
Variant type: Deletion.
Coding change: c.2987_2992del on transcript NM_130837.3 (MANE Select); coding-DNA positions 2987 to 2992, 6 bases deleted (AAGTTA; older notation c.2987_2992delAAGTTA).
Protein change: p.Lys996_Val997del.
Molecular consequence: inframe deletion.
Genome position (GRCh38, 1-based): chr3:193,692,066-193,692,071, AAGTTA deleted; deleting any 6 consecutive bases within chr3:193,692,065-193,692,071 gives the same sequence; the c. name uses the placement nearest the transcript's 3' end. VCF-style (leftmost placement, unchanged base first): chr3-193692064-GAAAGTT-G. GRCh37 (hg19) VCF-style: chr3-193409853-GAAAGTT-G.
Other names: c.2453_2458del, p.Lys818_Val819del (NM_001354663.2); c.2450_2455del, p.Lys817_Val818del (NM_001354664.2); c.2822_2827del, p.Lys941_Val942del (NM_015560.3); c.2714_2719del, p.Lys905_Val906del (NM_130831.3); c.2768_2773del, p.Lys923_Val924del (NM_130832.3); c.2825_2830del, p.Lys942_Val943del (NM_130833.3); c.2876_2881del, p.Lys959_Val960del (NM_130834.3); c.2879_2884del, p.Lys960_Val961del (NM_130835.3); and 1 more.
Identifiers: ClinVar variation 1256266 (VCV001256266.8), dbSNP rs2109460418, ClinGen allele CA2499216626.
Genomic context (GRCh38, chr3:193,692,064, plus strand): 5'-CCTCCTGATTTGTGATACCTTTGAAAAATAAATGTTTTTCTTTATTTTTATCTCCACAGA[GAAAGTT>G]AGAGAAATTCAAGAAAAACTTGATGCTTTCATTGAAGCTCTTCATCAGGAGAAATAAATT-3'